The following is an entry in ClinVar:

ClinVar aggregate classification (germline): Pathogenic (1 of 4 stars; one submission).

Submission:

Labcorp Genetics (formerly Invitae), Labcorp
Classification: Pathogenic. Last evaluated: 2025-02-24. Review status: criteria provided, single submitter. Criteria: Invitae Variant Classification Sherloc (09022015). Collection method: clinical testing. Allele origin: germline.
Comment: This sequence change creates a premature translational stop signal (p.Val283Trpfs*64) in the PLVAP gene. It is expected to result in an absent or disrupted protein product. Loss-of-function variants in PLVAP are known to be pathogenic (PMID: 26207260, 29661969). This variant is not present in population databases (gnomAD no frequency). This variant has not been reported in the literature in individuals affected with PLVAP-related conditions. ClinVar contains an entry for this variant (Variation ID: 2792836). For these reasons, this variant has been classified as Pathogenic.

Literature cited by the submitters: PubMed 26207260; PubMed 29661969.

NM_031310.3(PLVAP):c.847del (p.Val283fs)

Gene: PLVAP (plasmalemma vesicle associated protein; minus strand). Cytogenetic location: 19p13.11.
Variant type: Deletion.
Coding change: c.847del on transcript NM_031310.3 (MANE Select); coding-DNA position 847, one base deleted (G; older notation c.847delG).
Protein change: p.Val283fs; shifts the reading frame from valine 283.
Molecular consequence: frameshift variant.
Genome position (GRCh38, 1-based): chr19:17,365,618, C deleted on the plus strand (G on the coding strand, the reverse complement: PLVAP is on the minus strand); the first of 2 consecutive C bases (chr19:17,365,618-17,365,619); deleting either gives the same sequence. VCF-style (leftmost placement, unchanged base first): chr19-17365617-AC-A. GRCh37 (hg19) VCF-style: chr19-17476426-AC-A.
Other names: short protein forms V283fs.
Identifiers: ClinVar variation 2792836 (VCV002792836.3), dbSNP rs1459313694, ClinGen allele CA506100290.